The following is an entry in ClinVar:

ClinVar aggregate classification (germline): Uncertain significance. Review status: criteria provided, multiple submitters, no conflicts (2 of 4 stars). 2 submissions from 2 submitters: Uncertain significance (2). Last evaluated 2026-01-06.

Conditions:
Myofibrillar myopathy 5. Also called: FILAMINOPATHY, AUTOSOMAL DOMINANT; Filaminopathy (type). Identifiers: Orphanet 171445, MedGen C1836050, MONDO:0012289, OMIM 609524.
Distal myopathy with posterior leg and anterior hand involvement. Also called: WILLIAMS DISTAL MYOPATHY. Identifiers: Orphanet 63273, MedGen C3279722, MONDO:0013550, OMIM 614065.
Hypertrophic cardiomyopathy 26. Also called: Cardiomyopathy, familial hypertrophic, 26. Identifiers: Orphanet 75249, MedGen C4310749, MONDO:0014883, OMIM 617047.

Allele frequency attached by ClinVar (database versions not stated): gnomAD exomes 0.00001.
gnomAD v4.1: 3 of 1,613,086 alleles (0.00019%); highest among the groups gnomAD compares: Non-Finnish European, 0.00025%; no homozygotes.

Submissions (2):

Labcorp Genetics (formerly Invitae), Labcorp
Classification: Uncertain significance for Distal myopathy with posterior leg and anterior hand involvement; Myofibrillar myopathy 5; Hypertrophic cardiomyopathy 26. Last evaluated: 2026-01-06. Review status: criteria provided, single submitter. Criteria: Invitae Variant Classification Sherloc (09022015). Collection method: clinical testing. Allele origin: germline.
Comment: This sequence change replaces leucine, which is neutral and non-polar, with valine, which is neutral and non-polar, at codon 428 of the FLNC protein (p.Leu428Val). This variant is not present in population databases (gnomAD no frequency). This variant has not been reported in the literature in individuals affected with FLNC-related conditions. ClinVar contains an entry for this variant (Variation ID: 664299). Invitae Evidence Modeling of protein sequence and biophysical properties (such as structural, functional, and spatial information, amino acid conservation, physicochemical variation, residue mobility, and thermodynamic stability) has been performed for this missense variant. However, the output from this modeling did not meet the statistical confidence thresholds required to predict the impact of this variant on FLNC protein function. In summary, the available evidence is currently insufficient to determine the role of this variant in disease. Therefore, it has been classified as a Variant of Uncertain Significance.

GeneDx
Classification: Uncertain significance. Last evaluated: 2019-04-11. Review status: criteria provided, single submitter. Criteria: GeneDx Variant Classification Process June 2021. Collection method: clinical testing. Allele origin: germline. Affected: yes.
Comment: Not observed in large population cohorts (Lek et al., 2016); Has not been previously published as pathogenic or benign to our knowledge

NM_001458.5(FLNC):c.1282C>G (p.Leu428Val)

Gene: FLNC (filamin C; plus strand). Cytogenetic location: 7q32.1.
Variant type: single nucleotide variant.
Coding change: c.1282C>G on transcript NM_001458.5 (MANE Select); coding-DNA position 1282, C replaced by G.
Protein change: p.Leu428Val; replaces leucine 428 with valine.
Molecular consequence: missense variant.
Genome position (GRCh38, 1-based): chr7:128,838,674, C>G. VCF-style: chr7-128838674-C-G. GRCh37 (hg19) VCF-style: chr7-128478728-C-G.
Other names: c.1282C>G, p.Leu428Val (NM_001127487.2); short protein forms L428V.
Identifiers: ClinVar variation 664299 (VCV000664299.10), dbSNP rs1585154042, ClinGen allele CA369224563.
Genomic context (GRCh38, chr7:128,838,674, plus strand): 5'-GGCGATGTTGCTGTGGTGATCGTGGACCCACAGGGCCGGCGGGACACAGTGGAGGTGGCC[C>G]TGGAGGACAAGGGTGACAGCACGTTCCGCTGCACATACAGACCTGCCATGGAGGGGCCAC-3'
Protein context (NP_001449.3, residues 418-438): QGRRDTVEVA[Leu428Val]EDKGDSTFRC